The following is an entry in ClinVar:

ClinVar aggregate classification (germline): Uncertain significance (1 of 4 stars; one submission).

gnomAD v4.1: 1 of 1,614,114 alleles (0.000062%); highest among the groups gnomAD compares: Non-Finnish European, 0.000085%; no homozygotes.

Submission:

Ambry Genetics
Classification: Uncertain significance. Last evaluated: 2024-04-28. Review status: criteria provided, single submitter. Criteria: Ambry Variant Classification Scheme 2023. Collection method: clinical testing. Allele origin: germline.
Comment: The p.G424R variant (also known as c.1270G>A), located in coding exon 12 of the KIF1B gene, results from a G to A substitution at nucleotide position 1270. The glycine at codon 424 is replaced by arginine, an amino acid with dissimilar properties. This amino acid position is conserved. In addition, the in silico prediction for this alteration is inconclusive. Based on the available evidence, the clinical significance of this variant remains unclear.

NM_001365951.3(KIF1B):c.1408G>A (p.Gly470Arg)

Gene: KIF1B (kinesin family member 1B; plus strand). Cytogenetic location: 1p36.22.
Variant type: single nucleotide variant.
Coding change: c.1408G>A on transcript NM_001365951.3 (MANE Select); coding-DNA position 1408, G replaced by A.
Protein change: p.Gly470Arg; replaces glycine 470 with arginine.
Molecular consequence: missense variant.
Genome position (GRCh38, 1-based): chr1:10,282,507, G>A. VCF-style: chr1-10282507-G-A. GRCh37 (hg19) VCF-style: chr1-10342565-G-A.
Other names: c.1408G>A, p.Gly470Arg (NM_001365952.1); c.1270G>A, p.Gly424Arg (NM_001365953.1, NM_015074.3, NM_183416.4); short protein forms G470R, G424R.
Identifiers: ClinVar variation 3288432 (VCV003288432.1).